The following is an entry in ClinVar:

NM_001042432.2(CLN3):c.794C>T (p.Ser265Phe)

Gene: CLN3 (CLN3 lysosomal/endosomal transmembrane protein, battenin; minus strand). Cytogenetic location: 16p12.1.
Variant type: single nucleotide variant.
Coding change: c.794C>T on transcript NM_001042432.2 (MANE Select); coding-DNA position 794, C replaced by T.
Protein change: p.Ser265Phe; replaces serine 265 with phenylalanine.
Molecular consequence: missense variant.
Genome position (GRCh38, 1-based): chr16:28,482,669, G>A on the plus strand (C>T on the coding strand, the complement: CLN3 is on the minus strand). VCF-style: chr16-28482669-G-A. GRCh37 (hg19) VCF-style: chr16-28493990-G-A.
Other names: c.794C>T, p.Ser265Phe (NM_000086.2); c.722C>T, p.Ser241Phe (NM_001286104.2); c.494C>T, p.Ser165Phe (NM_001286105.2); c.560C>T, p.Ser187Phe (NM_001286109.2); c.632C>T, p.Ser211Phe (NM_001286110.2); short protein forms S165F, S211F, S241F, S187F, S265F.
Identifiers: ClinVar variation 2151879 (VCV002151879.1), dbSNP rs749453498, ClinGen allele CA7980816.
Genomic context (GRCh38, chr16:28,482,669, plus strand): 5'-CCAGCCATCATCCGAACCTTGAACACTGTCCACCTTTCCCGAAGGGAGAGGCTGGAGCTG[G>A]AGCCTGCAGGGGAACAGAGAGAGAAGGGCAGATGAAGTTTTCACACTGAAGACTCGGCAA-3'
Protein context (NP_001035897.1, residues 255-275): RTEAPESKPG[Ser265Phe]SSSLSLRERW

ClinVar aggregate classification (germline): Uncertain significance (1 of 4 stars; one submission).

Conditions:
Neuronal ceroid lipofuscinosis. Also called: Neuronal Ceroid Lipofuscinoses. Identifiers: Orphanet 216, Orphanet 79263, MedGen C0027877, MONDO:0016295. Disease mechanism: loss of function.

Allele frequency attached by ClinVar (database versions not stated): TOPMed below 0.00001; ExAC 0.00001; gnomAD 0.00001.
gnomAD v4.1: 4 of 1,614,070 alleles (0.00025%); highest among the groups gnomAD compares: African/African-American, 0.0013%; no homozygotes.

Submission:

Labcorp Genetics (formerly Invitae), Labcorp
Classification: Uncertain significance for Neuronal ceroid lipofuscinosis. Last evaluated: 2022-09-07. Review status: criteria provided, single submitter. Criteria: Invitae Variant Classification Sherloc (09022015). Collection method: clinical testing. Allele origin: germline.
Comment: This sequence change replaces serine, which is neutral and polar, with phenylalanine, which is neutral and non-polar, at codon 265 of the CLN3 protein (p.Ser265Phe). This variant is present in population databases (rs749453498, gnomAD 0.007%). This variant has not been reported in the literature in individuals affected with CLN3-related conditions. Algorithms developed to predict the effect of missense changes on protein structure and function (SIFT, PolyPhen-2, Align-GVGD) all suggest that this variant is likely to be tolerated. In summary, the available evidence is currently insufficient to determine the role of this variant in disease. Therefore, it has been classified as a Variant of Uncertain Significance.